The following is an entry in ClinVar:

ClinVar aggregate classification (germline): Likely pathogenic (1 of 4 stars; one submission).

Conditions:
Autosomal recessive limb-girdle muscular dystrophy type 2J (LGMDR10). Also called: Limb-girdle muscular dystrophy, type 2J; MUSCULAR DYSTROPHY, LIMB-GIRDLE, AUTOSOMAL RECESSIVE 10. Identifiers: Orphanet 140922, MedGen C1837342, MONDO:0012127, OMIM 608807.
Dilated cardiomyopathy 1G (CMD1G). Identifiers: Orphanet 154, MedGen C1858763, MONDO:0011400, OMIM 604145.

Allele frequency attached by ClinVar (database versions not stated): gnomAD exomes below 0.00001.
gnomAD v4.1: 1 of 1,535,604 alleles (0.000065%); highest among the groups gnomAD compares: South Asian, 0.0013%; no homozygotes.

Submission:

Labcorp Genetics (formerly Invitae), Labcorp
Classification: Likely pathogenic for Dilated cardiomyopathy 1G; Autosomal recessive limb-girdle muscular dystrophy type 2J. Last evaluated: 2025-09-09. Review status: criteria provided, single submitter. Criteria: Invitae Variant Classification Sherloc (09022015). Collection method: clinical testing. Allele origin: germline.
Comment: This sequence change affects a donor splice site in intron 129 of the TTN gene. It is expected to disrupt RNA splicing and likely results in a truncated or disrupted TTN protein. This variant is not present in population databases (gnomAD no frequency). This variant has not been reported in the literature in individuals affected with TTN-related conditions. ClinVar contains an entry for this variant (Variation ID: 2954082). Algorithms developed to predict the effect of sequence changes on RNA splicing suggest that this variant may disrupt the consensus splice site. This variant is located in the I band of TTN (PMID: 25589632). Truncating variants in this region have been reported in individuals affected with autosomal recessive centronuclear myopathy (PMID: 23975875, internal data). Truncating variants in this region have also been identified in individuals affected with autosomal dominant dilated cardiomyopathy and/or cardio-related conditions (PMID: 27869827, 32964742, internal data). In summary, the currently available evidence indicates that the variant is pathogenic, but additional data are needed to prove that conclusively. Therefore, this variant has been classified as Likely Pathogenic.

Literature cited by the submitters: PubMed 25589632; PubMed 23975875; PubMed 27869827; PubMed 32964742.

NM_001267550.2(TTN):c.32470+2T>C

Gene: TTN (titin; minus strand). Cytogenetic location: 2q31.2.
Variant type: single nucleotide variant.
Coding change: c.32470+2T>C on transcript NM_001267550.2 (MANE Select); the canonical splice donor site of the intron after coding-DNA position 32470, T replaced by C.
Molecular consequence: splice donor variant. On other transcripts: intron variant (3).
Genome position (GRCh38, 1-based): chr2:178,685,251, A>G on the plus strand (T>C on the coding strand, the complement: TTN is on the minus strand). VCF-style: chr2-178685251-A-G. GRCh37 (hg19) VCF-style: chr2-179549978-A-G.
Other names: c.13283-42934T>C (NM_003319.4); c.13859-42934T>C (NM_133437.4); c.13658-42934T>C (NM_133432.3); c.28738+2T>C (NM_133378.4); c.31519+2T>C (NM_001256850.1).
Identifiers: ClinVar variation 2954082 (VCV002954082.3), dbSNP rs1577392897, ClinGen allele CA349547739.
Genomic context (GRCh38, chr2:178,685,251, plus strand): 5'-GTGAAGGTATTATTATATACATTAAAATAAATAGTGTTGCATTTCTTTGAAAGAAATCAT[A>G]CCTTTAGCCGGTGGAGGCTCCTCTATTTTAGCAGGAATTTTTGGTTTCAGTACAATTTTC-3'